The following is an entry in ClinVar:

ClinVar aggregate classification (germline): Uncertain significance (1 of 4 stars; one submission).

Allele frequency attached by ClinVar (database versions not stated): gnomAD exomes below 0.00001.

Submission:

Ambry Genetics
Classification: Uncertain significance. Last evaluated: 2023-08-29. Review status: criteria provided, single submitter. Criteria: Ambry Variant Classification Scheme 2023. Collection method: clinical testing. Allele origin: germline.
Comment: The p.H1457Y variant (also known as c.4369C>T), located in coding exon 39 of the KIF1B gene, results from a C to T substitution at nucleotide position 4369. The histidine at codon 1457 is replaced by tyrosine, an amino acid with similar properties. This amino acid position is conserved. In addition, the in silico prediction for this alteration is inconclusive. Since supporting evidence is limited at this time, the clinical significance of this alteration remains unclear.

NM_001365951.3(KIF1B):c.4507C>T (p.His1503Tyr)

Gene: KIF1B (kinesin family member 1B; plus strand). Cytogenetic location: 1p36.22.
Variant type: single nucleotide variant.
Coding change: c.4507C>T on transcript NM_001365951.3 (MANE Select); coding-DNA position 4507, C replaced by T.
Protein change: p.His1503Tyr; replaces histidine 1503 with tyrosine.
Molecular consequence: missense variant.
Genome position (GRCh38, 1-based): chr1:10,365,240, C>T. VCF-style: chr1-10365240-C-T. GRCh37 (hg19) VCF-style: chr1-10425298-C-T.
Other names: c.4507C>T, p.His1503Tyr (NM_001365952.1); c.4369C>T, p.His1457Tyr (NM_015074.3); short protein forms H1503Y, H1457Y.
Identifiers: ClinVar variation 2625112 (VCV002625112.2), dbSNP rs2521912131, ClinGen allele CA338321231.